The following is an entry in ClinVar:

NM_000081.4(LYST):c.10816A>T (p.Met3606Leu)

Gene: LYST (lysosomal trafficking regulator; minus strand). Cytogenetic location: 1q42.3.
Variant type: single nucleotide variant.
Coding change: c.10816A>T on transcript NM_000081.4 (MANE Select); coding-DNA position 10816, A replaced by T.
Protein change: p.Met3606Leu; replaces methionine 3606 with leucine.
Molecular consequence: missense variant.
Genome position (GRCh38, 1-based): chr1:235,677,604, T>A on the plus strand (A>T on the coding strand, the complement: LYST is on the minus strand). VCF-style: chr1-235677604-T-A. GRCh37 (hg19) VCF-style: chr1-235840904-T-A.
Other names: c.10816A>T, p.Met3606Leu (NM_001301365.1); short protein forms M3606L.
Identifiers: ClinVar variation 1974400 (VCV001974400.5), dbSNP rs1308859528, ClinGen allele CA344922084.

ClinVar aggregate classification (germline): Uncertain significance (1 of 4 stars; one submission).

Conditions:
Chédiak-Higashi syndrome (CHS). Also called: Chediak-Higashi Syndrome. Identifiers: Orphanet 167, MedGen C0007965, MONDO:0008963, OMIM 214500.

Allele frequency attached by ClinVar (database versions not stated): gnomAD exomes below 0.00001.
gnomAD v4.1: 1 of 1,612,924 alleles (0.000062%); highest among the groups gnomAD compares: Admixed American, 0.0017%; no homozygotes.

Submission:

Labcorp Genetics (formerly Invitae), Labcorp
Classification: Uncertain significance for Chédiak-Higashi syndrome. Last evaluated: 2022-01-10. Review status: criteria provided, single submitter. Criteria: Invitae Variant Classification Sherloc (09022015). Collection method: clinical testing. Allele origin: germline.
Comment: This variant is present in population databases (no rsID available, gnomAD 0.003%). This variant has not been reported in the literature in individuals affected with LYST-related conditions. Algorithms developed to predict the effect of missense changes on protein structure and function (SIFT, PolyPhen-2, Align-GVGD) all suggest that this variant is likely to be tolerated. In summary, the available evidence is currently insufficient to determine the role of this variant in disease. Therefore, it has been classified as a Variant of Uncertain Significance. This sequence change replaces methionine, which is neutral and non-polar, with leucine, which is neutral and non-polar, at codon 3606 of the LYST protein (p.Met3606Leu).